The following is an entry in ClinVar:

NM_000059.4(BRCA2):c.8541A>C (p.Glu2847Asp)

Gene: BRCA2 (BRCA2 DNA repair associated; plus strand). Cytogenetic location: 13q13.1.
Variant type: single nucleotide variant.
Coding change: c.8541A>C on transcript NM_000059.4 (MANE Select); coding-DNA position 8541, A replaced by C.
Protein change: p.Glu2847Asp; replaces glutamic acid 2847 with aspartic acid.
Molecular consequence: missense variant.
Genome position (GRCh38, 1-based): chr13:32,371,009, A>C. VCF-style: chr13-32371009-A-C. GRCh37 (hg19) VCF-style: chr13-32945146-A-C.
Other names: short protein forms E2847D.
Identifiers: ClinVar variation 489791 (VCV000489791.11), dbSNP rs1555287759, ClinGen allele CA387752759.
Genomic context (GRCh38, chr13:32,371,009, plus strand): 5'-ATTACAGTGGATGGAGAAGACATCATCTGGATTATACATATTTCGCAATGAAAGAGAGGA[A>C]GAAAAGGAAGCAGCAAAATATGTGGAGGCCCAACAAAAGAGACTAGAAGCCTTATTCACT-3'
Protein context (NP_000050.3, residues 2837-2857): GLYIFRNERE[Glu2847Asp]EKEAAKYVEA

ClinVar aggregate classification (germline): Uncertain significance. Review status: criteria provided, multiple submitters, no conflicts (2 of 4 stars). 5 submissions from 5 submitters: Uncertain significance (5). Last evaluated 2024-11-12.

Conditions:
Hereditary breast ovarian cancer syndrome. Also called: Hereditary breast and ovarian cancer; Hereditary breast and ovarian cancer syndrome (HBOC); BRCA1- and BRCA2-Associated Hereditary Breast and Ovarian Cancer; Breast and ovarian cancer; Hereditary breast and ovarian cancer syndrome; Hereditary breast and/or ovarian cancer syndrome. Identifiers: Orphanet 145, MedGen C0677776, MeSH D061325, MONDO:0003582. Disease mechanism: loss of function.
Hereditary cancer-predisposing syndrome. Also called: Tumor predisposition; Neoplastic Syndromes, Hereditary; Hereditary Cancer Syndrome; Hereditary neoplastic syndrome. Identifiers: Orphanet 140162, MedGen C0027672, MeSH D009386, MONDO:0015356.
Breast-ovarian cancer, familial, susceptibility to, 2 (BROVCA2). Also called: BRCA2 Hereditary Breast and Ovarian Cancer. Identifiers: Orphanet 145, MedGen C2675520, MONDO:0012933, OMIM 612555. Disease mechanism: loss of function.

Allele frequency attached by ClinVar (database versions not stated): gnomAD exomes 0.00001.
gnomAD v4.1: 6 of 1,614,164 alleles (0.00037%); highest among the groups gnomAD compares: Non-Finnish European, 0.00051%; no homozygotes.

Submissions (5):

Ambry Genetics
Classification: Uncertain significance for Hereditary cancer-predisposing syndrome. Last evaluated: 2024-11-12. Review status: criteria provided, single submitter. Criteria: Ambry Variant Classification Scheme 2023. Collection method: clinical testing. Allele origin: germline.
Comment: The p.E2847D variant (also known as c.8541A>C), located in coding exon 19 of the BRCA2 gene, results from an A to C substitution at nucleotide position 8541. The glutamic acid at codon 2847 is replaced by aspartic acid, an amino acid with highly similar properties. This amino acid position is highly conserved in available vertebrate species. In addition, this alteration is predicted to be deleterious by in silico analysis. Based on the available evidence, the clinical significance of this variant remains unclear.

Color Diagnostics, LLC DBA Color Health
Classification: Uncertain significance for Hereditary cancer-predisposing syndrome. Last evaluated: 2023-12-04. Review status: criteria provided, single submitter. Criteria: ACMG Guidelines, 2015. Collection method: clinical testing. Allele origin: germline.
Comment: This missense variant replaces glutamic acid with aspartic acid at codon 2847 of the BRCA2 protein. Computational prediction is inconclusive regarding the impact of this variant on protein structure and function (internally defined REVEL score threshold 0.5 < inconclusive < 0.7, PMID: 27666373). To our knowledge, functional studies have not been reported for this variant. This variant has not been reported in individuals affected with BRCA2-related disorders in the literature. This variant has not been identified in the general population by the Genome Aggregation Database (gnomAD). The available evidence is insufficient to determine the role of this variant in disease conclusively. Therefore, this variant is classified as a Variant of Uncertain Significance.

All of Us Research Program, National Institutes of Health
Classification: Uncertain significance for Breast-ovarian cancer, familial, susceptibility to, 2. Last evaluated: 2022-11-28. Review status: criteria provided, single submitter. Criteria: ACMG Guidelines, 2015. Collection method: clinical testing. Allele origin: germline. Inheritance: Autosomal dominant inheritance. Observed: 1 variant allele, 1 heterozygote.
Comment: This study involves interpretation of variants in research participants for the purpose of population health screening. Participant phenotype was not available at the time of variant classification. Additional details can be found in publication PMID: 35346344, PMCID: PMC8962531

Labcorp Genetics (formerly Invitae), Labcorp
Classification: Uncertain significance for Hereditary breast ovarian cancer syndrome. Last evaluated: 2022-01-03. Review status: criteria provided, single submitter. Criteria: Invitae Variant Classification Sherloc (09022015). Collection method: clinical testing. Allele origin: germline.
Comment: This sequence change replaces glutamic acid, which is acidic and polar, with aspartic acid, which is acidic and polar, at codon 2847 of the BRCA2 protein (p.Glu2847Asp). This variant is not present in population databases (gnomAD no frequency). This variant has not been reported in the literature in individuals affected with BRCA2-related conditions. ClinVar contains an entry for this variant (Variation ID: 489791). Advanced modeling of protein sequence and biophysical properties (such as structural, functional, and spatial information, amino acid conservation, physicochemical variation, residue mobility, and thermodynamic stability) performed at Invitae indicates that this missense variant is not expected to disrupt BRCA2 protein function. In summary, the available evidence is currently insufficient to determine the role of this variant in disease. Therefore, it has been classified as a Variant of Uncertain Significance.

Women's Health and Genetics/Laboratory Corporation of America, LabCorp
Classification: Uncertain significance. Last evaluated: 2018-02-19. Review status: criteria provided, single submitter. Criteria: LabCorp Variant Classification Summary - May 2015. Collection method: clinical testing. Allele origin: germline.
Comment: Variant summary: BRCA2 c.8541A>C (p.Glu2847Asp) results in a conservative amino acid change located in the Tower domain (IPR015205) of the encoded protein sequence. Four of five in-silico tools predict a damaging effect of the variant on protein function. The variant was absent in 121324 control chromosomes in ExAC. The available data on variant occurrences in the general population are insufficient to allow any conclusion about variant significance. To our knowledge, no occurrence of c.8541A>C in individuals affected with Hereditary Breast and Ovarian Cancer and no experimental evidence demonstrating its impact on protein function have been reported. No clinical diagnostic laboratories have submitted clinical-significance assessments for this variant to ClinVar after 2014. Based on the evidence outlined above, the variant was classified as uncertain significance.